The following is an entry in ClinVar:

NM_014425.5(INVS):c.2414C>T (p.Pro805Leu)

Gene: INVS (inversin; plus strand). Cytogenetic location: 9q31.1.
Variant type: single nucleotide variant.
Coding change: c.2414C>T on transcript NM_014425.5 (MANE Select); coding-DNA position 2414, C replaced by T.
Protein change: p.Pro805Leu; replaces proline 805 with leucine.
Molecular consequence: missense variant. On other transcripts: non-coding transcript variant (1).
Genome position (GRCh38, 1-based): chr9:100,292,671, C>T. VCF-style: chr9-100292671-C-T. GRCh37 (hg19) VCF-style: chr9-103054953-C-T.
Other names: c.2126C>T, p.Pro709Leu (NM_001318381.2); c.1436C>T, p.Pro479Leu (NM_001318382.2); short protein forms P479L, P709L, P805L.
Identifiers: ClinVar variation 1023174 (VCV001023174.6), dbSNP rs750979976, ClinGen allele CA196895734.

ClinVar aggregate classification (germline): Uncertain significance (1 of 4 stars; one submission).

Conditions:
Nephronophthisis. Also called: Juvenile Nephronophthisis. Identifiers: Orphanet 655, MedGen C0687120, MONDO:0019005, HP:0000090.

Allele frequency attached by ClinVar (database versions not stated): gnomAD exomes below 0.00001 and 0.00001.
gnomAD v4.1: 14 of 1,614,132 alleles (0.00087%); highest among the groups gnomAD compares: East Asian, 0.0022%; no homozygotes.

Submission:

Labcorp Genetics (formerly Invitae), Labcorp
Classification: Uncertain significance for Nephronophthisis. Last evaluated: 2021-08-26. Review status: criteria provided, single submitter. Criteria: Invitae Variant Classification Sherloc (09022015). Collection method: clinical testing. Allele origin: germline.
Comment: This sequence change replaces proline with leucine at codon 805 of the INVS protein (p.Pro805Leu). The proline residue is highly conserved and there is a moderate physicochemical difference between proline and leucine. This variant is not present in population databases (ExAC no frequency). This variant has not been reported in the literature in individuals affected with INVS-related conditions. Algorithms developed to predict the effect of missense changes on protein structure and function are either unavailable or do not agree on the potential impact of this missense change (SIFT: "Deleterious"; PolyPhen-2: "Probably Damaging"; Align-GVGD: "Class C0"). In summary, the available evidence is currently insufficient to determine the role of this variant in disease. Therefore, it has been classified as a Variant of Uncertain Significance.